The following is an entry in ClinVar:

ClinVar aggregate classification (germline): Uncertain significance (1 of 4 stars; one submission).

gnomAD v4.1: 7 of 1,614,108 alleles (0.00043%); highest among the groups gnomAD compares: South Asian, 0.0066%; no homozygotes.

Submission:

GeneDx
Classification: Uncertain significance. Last evaluated: 2025-01-28. Review status: criteria provided, single submitter. Criteria: GeneDx Variant Classification Process June 2021. Collection method: clinical testing. Allele origin: germline. Affected: yes.
Comment: Not observed at significant frequency in large population cohorts (gnomAD); In silico analysis supports that this missense variant has a deleterious effect on protein structure/function; Has not been previously published as pathogenic or benign to our knowledge

NM_177550.5(SLC13A5):c.1631T>C (p.Val544Ala)

Gene: SLC13A5 (solute carrier family 13 member 5; minus strand). Cytogenetic location: 17p13.1.
Variant type: single nucleotide variant.
Coding change: c.1631T>C on transcript NM_177550.5 (MANE Select); coding-DNA position 1631, T replaced by C.
Protein change: p.Val544Ala; replaces valine 544 with alanine.
Molecular consequence: missense variant.
Genome position (GRCh38, 1-based): chr17:6,686,283, A>G on the plus strand (T>C on the coding strand, the complement: SLC13A5 is on the minus strand). VCF-style: chr17-6686283-A-G. GRCh37 (hg19) VCF-style: chr17-6589602-A-G.
Other names: c.1493T>C, p.Val498Ala (NM_001143838.3); c.1580T>C, p.Val527Ala (NM_001284509.2); c.1502T>C, p.Val501Ala (NM_001284510.2); short protein forms V498A, V501A, V527A, V544A.
Identifiers: ClinVar variation 4072533 (VCV004072533.1).